The following is an entry in ClinVar:

NM_000204.5(CFI):c.1105T>A (p.Tyr369Asn)

Gene: CFI (complement factor I; minus strand). Cytogenetic location: 4q25.
Variant type: single nucleotide variant.
Coding change: c.1105T>A on transcript NM_000204.5 (MANE Select); coding-DNA position 1105, T replaced by A.
Protein change: p.Tyr369Asn; replaces tyrosine 369 with asparagine.
Molecular consequence: missense variant. On other transcripts: non-coding transcript variant (3).
Genome position (GRCh38, 1-based): chr4:109,749,261, A>T on the plus strand (T>A on the coding strand, the complement: CFI is on the minus strand). VCF-style: chr4-109749261-A-T. GRCh37 (hg19) VCF-style: chr4-110670417-A-T.
Other names: c.1129T>A, p.Tyr377Asn (NM_001318057.2, NM_001375278.1, NM_001440988.1); c.1084T>A, p.Tyr362Asn (NM_001331035.2, NM_001375280.1, NM_001375282.1 and 1 more transcripts); c.1105T>A, p.Tyr369Asn (NM_001375279.1, NM_001375281.1, NM_001440989.1); c.1048T>A, p.Tyr350Asn (NM_001375283.1); c.496T>A, p.Tyr166Asn (NM_001375284.1); c.1126T>A, p.Tyr376Asn (NM_001440985.1, NM_001440986.1); short protein forms Y166N, Y362N, Y369N, Y350N, Y376N, Y377N.
Identifiers: ClinVar variation 4227361 (VCV004227361.2).

ClinVar aggregate classification (germline): Uncertain significance. Review status: criteria provided, multiple submitters, no conflicts (2 of 4 stars). 2 submissions from 2 submitters: Uncertain significance (2). Last evaluated 2025-11-11.

Conditions:
Inborn genetic diseases. Identifiers: MedGen C0950123, MeSH D030342.

Submissions (2):

Labcorp Genetics (formerly Invitae), Labcorp
Classification: Uncertain significance. Last evaluated: 2025-11-11. Review status: criteria provided, single submitter. Criteria: Invitae Variant Classification Sherloc (09022015). Collection method: clinical testing. Allele origin: germline.
Comment: This sequence change replaces tyrosine, which is neutral and polar, with asparagine, which is neutral and polar, at codon 369 of the CFI protein (p.Tyr369Asn). This variant is not present in population databases (gnomAD no frequency). This variant has not been reported in the literature in individuals affected with CFI-related conditions. ClinVar contains an entry for this variant (Variation ID: 4227361). Invitae Evidence Modeling of protein sequence and biophysical properties (such as structural, functional, and spatial information, amino acid conservation, physicochemical variation, residue mobility, and thermodynamic stability) indicates that this missense variant is expected to disrupt CFI protein function with a positive predictive value of 80%. In summary, the available evidence is currently insufficient to determine the role of this variant in disease. Therefore, it has been classified as a Variant of Uncertain Significance.

Ambry Genetics
Classification: Uncertain significance for Inborn genetic diseases. Last evaluated: 2025-06-17. Review status: criteria provided, single submitter. Criteria: Ambry Variant Classification Scheme 2023. Collection method: clinical testing. Allele origin: germline.